The following is an entry in ClinVar:

ClinVar aggregate classification (germline): Uncertain significance (1 of 4 stars; one submission).

Conditions:
MYO15A-related disorder. Also called: MYO15A-related condition.

Submission:

PreventionGenetics, part of Exact Sciences
Classification: Uncertain significance for MYO15A-related condition. Last evaluated: 2024-12-05. Review status: criteria provided, single submitter. Criteria: ACMG Guidelines, 2015. Collection method: clinical testing. Allele origin: germline.
Comment: The MYO15A c.4976G>T variant is predicted to result in the amino acid substitution p.Arg1659Leu. To our knowledge, this variant has not been reported in the literature. This variant is reported in 0.0056% of alleles in individuals of East Asian descent in gnomAD. At this time, the clinical significance of this variant is uncertain due to the absence of conclusive functional and genetic evidence.

NM_016239.4(MYO15A):c.4976G>T (p.Arg1659Leu)

Gene: MYO15A (myosin XVA; plus strand). Cytogenetic location: 17p11.2.
Variant type: single nucleotide variant.
Coding change: c.4976G>T on transcript NM_016239.4 (MANE Select); coding-DNA position 4976, G replaced by T.
Protein change: p.Arg1659Leu; replaces arginine 1659 with leucine.
Molecular consequence: missense variant.
Genome position (GRCh38, 1-based): chr17:18,138,215, G>T. VCF-style: chr17-18138215-G-T. GRCh37 (hg19) VCF-style: chr17-18041529-G-T.
Other names: short protein forms R1659L.
Identifiers: ClinVar variation 4986545 (VCV004986545.1).